The following is an entry in ClinVar:

ClinVar aggregate classification (germline): Likely benign. Review status: criteria provided, multiple submitters, no conflicts (2 of 4 stars). 2 submissions from 2 submitters: Likely benign (2). Last evaluated 2025-02-12.

Conditions:
Progressive sclerosing poliodystrophy (MTDPS4A). Also called: Alpers-Huttenlocher Syndrome (AHS); Alpers Syndrome; ALPERS PROGRESSIVE INFANTILE POLIODYSTROPHY; Mitochondrial DNA depletion syndrome 4A (Alpers type); ALPERS DIFFUSE DEGENERATION OF CEREBRAL GRAY MATTER WITH HEPATIC CIRRHOSIS; Alpers-Huttenlocher Syndrome. Identifiers: Orphanet 726, MedGen C0205710, MONDO:0008758, OMIM 203700.

Allele frequency attached by ClinVar (database versions not stated): ESP Exome Variant Server 0.00023; gnomAD 0.00047 and 0.00049; TOPMed 0.00052.
gnomAD v4.1: 929 of 1,566,534 alleles (0.059%); highest among the groups gnomAD compares: Admixed American, 0.1%; 1 homozygote.

Submissions (2):

Mayo Clinic Laboratories, Mayo Clinic
Classification: Likely benign. Last evaluated: 2025-02-12. Review status: criteria provided, single submitter. Criteria: ACMG Guidelines, 2015. Collection method: clinical testing. Allele origin: germline. Observed: 2 variant alleles.
Comment: BP4, BP7, PM2_moderate

Wong Mito Lab, Molecular and Human Genetics, Baylor College of Medicine
Classification: Likely benign for Progressive sclerosing poliodystrophy. Last evaluated: 2018-10-01. Review status: criteria provided, single submitter. Criteria: ACMG Guidelines, 2015. Collection method: clinical testing. Allele origin: germline.
Comment: The NM_002693.2:c.660-29T>C (NP_002684.1:p.=) [GRCH38: NC_000015.10:g.89330305A>G] variant in POLG gene is interpretated to be a Likely Benign based on ACMG guidelines (PMID: 25741868). This variant meets the following evidence codes reported in the ACMG-guideline. BS1:The minor allele frequency of this allele is high for Mitochondrial DNA depletion syndrome 4A (Alpers type). BP4:Computational evidence/predictors indicate no impact on the POLG structure, function, or protein-protein interaction. BP6:Reputable source(s) without shared data suggest the variant is benign. Based on the evidence criteria codes applied, the variant is suggested to be Likely Benign.

NM_002693.3(POLG):c.660-29T>C

Genes: POLGARF (POLG alternative reading frame; minus strand), POLG (DNA polymerase gamma, catalytic subunit; minus strand). Cytogenetic location: 15q26.1.
Variant type: single nucleotide variant.
Coding change: c.660-29T>C on transcript NM_002693.3 (MANE Select); 29 bases into the intron before coding-DNA position 660, T replaced by C.
Molecular consequence: intron variant.
Genome position (GRCh38, 1-based): chr15:89,330,305, A>G on the plus strand (T>C on the coding strand, the complement: POLG is on the minus strand). VCF-style: chr15-89330305-A-G. GRCh37 (hg19) VCF-style: chr15-89873536-A-G.
Other names: p.?; c.660-29T>C (NM_001126131.2).
Identifiers: ClinVar variation 619484 (VCV000619484.2), dbSNP rs374159057, ClinGen allele CA7725066.
Genomic context (GRCh38, chr15:89,330,305, plus strand): 5'-CTTCCACCAGCCGCTGGCTGCACCAGGAATACCTGAGGGAGGTGAGAGGCAGGCAGGTTC[A>G]CCATGGAGACATTAAACTTCCACTCCACAACAACCACTGCACACCTACCGCCACATGCCA-3'